The following is an entry in ClinVar:

ClinVar aggregate classification (germline): Uncertain significance. Review status: criteria provided, multiple submitters, no conflicts (2 of 4 stars). 6 submissions from 6 submitters: Uncertain significance (5). 1 of the submissions does not count toward it. Last evaluated 2026-04-06.

Conditions:
Peroxisome biogenesis disorder 1A (Zellweger) (PBD1A). Also called: Peroxisome biogenesis disorder 1a; Zellweger leukodystrophy. Identifiers: MedGen C4721541, MONDO:0008953, OMIM 214100.
PEX1-related disorder. Also called: PEX1-related condition.
Zellweger spectrum disorders (ZS). Also called: Zellweger Spectrum Disorder; Zellweger Spectrum; Zellweger syndrome; Zellweger Spectrum Disorder (ZSD). Identifiers: Orphanet 912, MedGen C0043459, MONDO:0019609.

Allele frequency attached by ClinVar (database versions not stated): ExAC 0.00002; gnomAD 0.00003; TOPMed 0.00002.
gnomAD v4.1: 34 of 1,613,124 alleles (0.0021%); highest among the groups gnomAD compares: Non-Finnish European, 0.0028%; no homozygotes.

Submissions (6):

PreventionGenetics, part of Exact Sciences
Classification: Uncertain significance for PEX1-related condition. Last evaluated: 2026-04-06. Review status: criteria provided, single submitter. Criteria: ACMG Guidelines, 2015. Collection method: clinical testing. Allele origin: germline.
Comment: The PEX1 c.1913A>C variant is predicted to result in the amino acid substitution p.Glu638Ala. To our knowledge, this variant has not been reported in the literature. This variant is reported in 0.0053% of alleles in individuals of European (Non-Finnish) descent in gnomAD. At this time, the clinical significance of this variant is uncertain due to the absence of conclusive functional and genetic evidence.

Blueprint Genetics
Classification: Uncertain significance. Last evaluated: 2024-08-30. Review status: criteria provided, single submitter. Criteria: ACMG Guidelines, 2015. Collection method: clinical testing. Allele origin: germline.

Labcorp Genetics (formerly Invitae), Labcorp
Classification: Uncertain significance for Zellweger spectrum disorders. Last evaluated: 2022-03-10. Review status: criteria provided, single submitter. Criteria: Invitae Variant Classification Sherloc (09022015). Collection method: clinical testing. Allele origin: germline.
Comment: This sequence change replaces glutamic acid, which is acidic and polar, with alanine, which is neutral and non-polar, at codon 638 of the PEX1 protein (p.Glu638Ala). This variant is present in population databases (rs775544654, gnomAD 0.005%). This variant has not been reported in the literature in individuals affected with PEX1-related conditions. ClinVar contains an entry for this variant (Variation ID: 598043). Advanced modeling of protein sequence and biophysical properties (such as structural, functional, and spatial information, amino acid conservation, physicochemical variation, residue mobility, and thermodynamic stability) performed at Invitae indicates that this missense variant is not expected to disrupt PEX1 protein function. In summary, the available evidence is currently insufficient to determine the role of this variant in disease. Therefore, it has been classified as a Variant of Uncertain Significance.

Eurofins Ntd Llc (ga)
Classification: Uncertain significance. Last evaluated: 2018-07-17. Review status: criteria provided, single submitter. Criteria: EGL ClinVar v180209 classification definitions. Collection method: clinical testing. Allele origin: germline. Observed: 1 variant allele, 1 heterozygote.

Illumina Laboratory Services, Illumina
Classification: Uncertain significance for Peroxisome biogenesis disorder 1A (Zellweger). Last evaluated: 2018-01-12. Review status: criteria provided, single submitter. Criteria: ICSL Variant Classification Criteria 13 December 2019. Collection method: clinical testing. Allele origin: germline.

Natera, Inc.
Classification: Uncertain significance for Zellweger syndrome. Last evaluated: 2020-02-11. Review status: no assertion criteria provided. Collection method: clinical testing. Allele origin: germline. Not counted in ClinVar's aggregate classification.

NM_000466.3(PEX1):c.1913A>C (p.Glu638Ala)

Gene: PEX1 (peroxisomal biogenesis factor 1; minus strand). Cytogenetic location: 7q21.2.
Variant type: single nucleotide variant.
Coding change: c.1913A>C on transcript NM_000466.3 (MANE Select); coding-DNA position 1913, A replaced by C.
Protein change: p.Glu638Ala; replaces glutamic acid 638 with alanine.
Molecular consequence: missense variant. On other transcripts: intron variant (1).
Genome position (GRCh38, 1-based): chr7:92,504,890, T>G on the plus strand (A>C on the coding strand, the complement: PEX1 is on the minus strand). VCF-style: chr7-92504890-T-G. GRCh37 (hg19) VCF-style: chr7-92134204-T-G.
Other names: c.1289A>C, p.Glu430Ala (NM_001282678.2); c.1900+1358A>C (NM_001282677.2); short protein forms E638A, E430A.
Identifiers: ClinVar variation 598043 (VCV000598043.17), dbSNP rs775544654, ClinGen allele CA4341256.